The following is an entry in ClinVar:

ClinVar aggregate classification (germline): Benign/Likely benign. Review status: criteria provided, multiple submitters, no conflicts (2 of 4 stars). 5 submissions from 5 submitters: Benign (1); Likely benign (3). 1 of the submissions does not count toward it. Last evaluated 2026-01-30.

Conditions:
CEP104-related disorder. Also called: CEP104-related condition.
Joubert syndrome 25 (JBTS25). Identifiers: Orphanet 475, MedGen C4084842, MONDO:0014770, OMIM 616781.

Allele frequency attached by ClinVar (database versions not stated): gnomAD exomes 0.00057 and 0.00154; ExAC 0.00205; 1000 Genomes Project 0.00479; 1000 Genomes Project 30x 0.00547; gnomAD 0.00600 and 0.00657; TOPMed 0.00695; ESP Exome Variant Server 0.00700.

Submissions (5):

Labcorp Genetics (formerly Invitae), Labcorp
Classification: Benign for Joubert syndrome 25. Last evaluated: 2026-01-30. Review status: criteria provided, single submitter. Criteria: Invitae Variant Classification Sherloc (09022015). Collection method: clinical testing. Allele origin: germline.

Blueprint Genetics
Classification: Likely benign. Last evaluated: 2024-11-13. Review status: criteria provided, single submitter. Criteria: ACMG Guidelines, 2015. Collection method: clinical testing. Allele origin: germline.

GeneDx
Classification: Likely benign. Last evaluated: 2021-08-05. Review status: criteria provided, single submitter. Criteria: GeneDx Variant Classification Process June 2021. Collection method: clinical testing. Allele origin: germline. Affected: yes.

Breakthrough Genomics
Classification: Likely benign. Review status: criteria provided, single submitter. Criteria: ACMG Guidelines, 2015. Collection method: not provided. Allele origin: germline. Inheritance: Autosomal recessive inheritance. Affected: yes.

PreventionGenetics, part of Exact Sciences
Classification: Benign for CEP104-related condition. Last evaluated: 2019-09-05. Review status: no assertion criteria provided. Collection method: clinical testing. Allele origin: germline. Not counted in ClinVar's aggregate classification.
Comment: This variant is classified as benign based on ACMG/AMP sequence variant interpretation guidelines (Richards et al. 2015 PMID: 25741868, with internal and published modifications).

NM_014704.4(CEP104):c.1363C>T (p.Leu455=)

Gene: CEP104 (centrosomal protein 104; minus strand). Cytogenetic location: 1p36.32.
Variant type: single nucleotide variant.
Coding change: c.1363C>T on transcript NM_014704.4 (MANE Select); coding-DNA position 1363, C replaced by T.
Protein change: p.Leu455=; no amino-acid change (leucine 455 retained).
Molecular consequence: synonymous variant.
Genome position (GRCh38, 1-based): chr1:3,835,047, G>A on the plus strand (C>T on the coding strand, the complement: CEP104 is on the minus strand). VCF-style: chr1-3835047-G-A. GRCh37 (hg19) VCF-style: chr1-3751611-G-A.
Identifiers: ClinVar variation 475457 (VCV000475457.17), dbSNP rs115015364, ClinGen allele CA551611.